The following is an entry in ClinVar:

ClinVar aggregate classification (germline): Likely benign (1 of 4 stars; one submission).

Submission:

CeGaT Center for Human Genetics Tuebingen
Classification: Likely benign. Last evaluated: 2025-04-01. Review status: criteria provided, single submitter. Criteria: CeGaT Center For Human Genetics Tuebingen Variant Classification Criteria Version 2. Collection method: clinical testing. Allele origin: germline. Affected: yes. Observed: 1 variant allele.
Comment: EXOSC3: BP4, BP7

NM_016042.4(EXOSC3):c.225G>C (p.Gly75=)

Gene: EXOSC3 (exosome component 3; minus strand). Cytogenetic location: 9p13.2.
Variant type: single nucleotide variant.
Coding change: c.225G>C on transcript NM_016042.4 (MANE Select); coding-DNA position 225, G replaced by C.
Protein change: p.Gly75=; no amino-acid change (glycine 75 retained).
Molecular consequence: synonymous variant.
Genome position (GRCh38, 1-based): chr9:37,784,820, C>G on the plus strand (G>C on the coding strand, the complement: EXOSC3 is on the minus strand). VCF-style: chr9-37784820-C-G. GRCh37 (hg19) VCF-style: chr9-37784817-C-G.
Other names: c.225G>C, p.Gly75= (NM_001002269.2).
Identifiers: ClinVar variation 3898429 (VCV003898429.7).
Genomic context (GRCh38, chr9:37,784,820, plus strand): 5'-GCTGCCACTGCCGGGCTCCTTGTGACGGAGGCGGCCGCACTTGGTGACCAGCAGGCGGTC[C>G]CCACAGCGCCGAAGGCCCGGACCGCATACAACGCGCACCCGCGAGCACGCTCTAGCATTC-3'
Protein context (NP_057126.2, residues 65-85): VVCGPGLRRC[Gly75=]DRLLVTKCGR